The following is an entry in ClinVar:

ClinVar aggregate classification (germline): Uncertain significance (1 of 4 stars; one submission).

Allele frequency attached by ClinVar (database versions not stated): TOPMed below 0.00001; gnomAD exomes 0.00001.
gnomAD v4.1: 7 of 1,613,454 alleles (0.00043%); highest among the groups gnomAD compares: South Asian, 0.0022%; no homozygotes.

Submission:

GeneDx
Classification: Uncertain significance. Last evaluated: 2022-04-25. Review status: criteria provided, single submitter. Criteria: GeneDx Variant Classification Process June 2021. Collection method: clinical testing. Allele origin: germline. Affected: yes.
Comment: Reported in a patient with pseudo-TORCH syndrome who had an alternate explanation for disease (Akter et al., 2022); Not observed at significant frequency in large population cohorts (gnomAD); In silico analysis supports that this missense variant has a deleterious effect on protein structure/function; This variant is associated with the following publications: (PMID: Akter2022[article], 31504246)

NM_002576.5(PAK1):c.398C>T (p.Ser133Leu)

Gene: PAK1 (p21 (RAC1) activated kinase 1; minus strand). Cytogenetic location: 11q13.5.
Variant type: single nucleotide variant.
Coding change: c.398C>T on transcript NM_002576.5 (MANE Select); coding-DNA position 398, C replaced by T.
Protein change: p.Ser133Leu; replaces serine 133 with leucine.
Molecular consequence: missense variant. On other transcripts: non-coding transcript variant (2), intron variant (1).
Genome position (GRCh38, 1-based): chr11:77,379,282, G>A on the plus strand (C>T on the coding strand, the complement: PAK1 is on the minus strand). VCF-style: chr11-77379282-G-A. GRCh37 (hg19) VCF-style: chr11-77090327-G-A.
Other names: c.398C>T, p.Ser133Leu (NM_001376280.1, NM_001376281.1, NM_001376282.1 and 26 more transcripts); c.104C>T, p.Ser35Leu (NM_001376302.1, NM_001376304.1, NM_001376305.1); c.191-4917C>T (NM_001376301.1); c.419C>T, p.Ser140Leu (NM_001376272.1); short protein forms S133L, S140L, S35L.
Identifiers: ClinVar variation 1712740 (VCV001712740.2), dbSNP rs1196615739, ClinGen allele CA382169528.